The following is an entry in ClinVar:

NM_006231.4(POLE):c.2669T>C (p.Ile890Thr)

Gene: POLE (DNA polymerase epsilon, catalytic subunit; minus strand). Cytogenetic location: 12q24.33.
Variant type: single nucleotide variant.
Coding change: c.2669T>C on transcript NM_006231.4 (MANE Select); coding-DNA position 2669, T replaced by C.
Protein change: p.Ile890Thr; replaces isoleucine 890 with threonine.
Molecular consequence: missense variant.
Genome position (GRCh38, 1-based): chr12:132,664,041, A>G on the plus strand (T>C on the coding strand, the complement: POLE is on the minus strand). VCF-style: chr12-132664041-A-G. GRCh37 (hg19) VCF-style: chr12-133240627-A-G.
Other names: short protein forms I890T.
Identifiers: ClinVar variation 1045608 (VCV001045608.11), dbSNP rs2042735699, ClinGen allele CA387395259.

ClinVar aggregate classification (germline): Uncertain significance. Review status: criteria provided, multiple submitters, no conflicts (2 of 4 stars). 2 submissions from 2 submitters: Uncertain significance (2). Last evaluated 2022-06-20.

Conditions:
Hereditary cancer-predisposing syndrome. Also called: Hereditary Cancer Syndrome; Tumor predisposition; Hereditary neoplastic syndrome; Neoplastic Syndromes, Hereditary. Identifiers: Orphanet 140162, MedGen C0027672, MeSH D009386, MONDO:0015356.

Submissions (2):

Ambry Genetics
Classification: Uncertain significance for Hereditary cancer-predisposing syndrome. Last evaluated: 2022-06-20. Review status: criteria provided, single submitter. Criteria: Ambry Variant Classification Scheme 2023. Collection method: clinical testing. Allele origin: germline.
Comment: The p.I890T variant (also known as c.2669T>C), located in coding exon 23 of the POLE gene, results from a T to C substitution at nucleotide position 2669. The isoleucine at codon 890 is replaced by threonine, an amino acid with similar properties. This amino acid position is conserved. In addition, the in silico prediction for this alteration is inconclusive. Since supporting evidence is limited at this time, the clinical significance of this alteration remains unclear.

Labcorp Genetics (formerly Invitae), Labcorp
Classification: Uncertain significance. Last evaluated: 2020-01-02. Review status: criteria provided, single submitter. Criteria: Invitae Variant Classification Sherloc (09022015). Collection method: clinical testing. Allele origin: germline.
Comment: Algorithms developed to predict the effect of missense changes on protein structure and function (SIFT, PolyPhen-2, Align-GVGD) all suggest that this variant is likely to be disruptive, but these predictions have not been confirmed by published functional studies and their clinical significance is uncertain. In summary, the available evidence is currently insufficient to determine the role of this variant in disease. Therefore, it has been classified as a Variant of Uncertain Significance. This variant has not been reported in the literature in individuals with POLE-related conditions. This variant is not present in population databases (ExAC no frequency). This sequence change replaces isoleucine with threonine at codon 890 of the POLE protein (p.Ile890Thr). The isoleucine residue is moderately conserved and there is a moderate physicochemical difference between isoleucine and threonine.